The following is an entry in ClinVar:

ClinVar aggregate classification (germline): Uncertain significance (1 of 4 stars; one submission).

Allele frequency attached by ClinVar (database versions not stated): TOPMed 0.00002; gnomAD 0.00001; gnomAD exomes 0.00004; ExAC 0.00005.
gnomAD v4.1: 27 of 1,550,390 alleles (0.0017%); highest among the groups gnomAD compares: South Asian, 0.0024%; no homozygotes.

Submission:

Labcorp Genetics (formerly Invitae), Labcorp
Classification: Uncertain significance. Last evaluated: 2022-09-07. Review status: criteria provided, single submitter. Criteria: Invitae Variant Classification Sherloc (09022015). Collection method: clinical testing. Allele origin: germline.
Comment: This sequence change replaces arginine, which is basic and polar, with histidine, which is basic and polar, at codon 1107 of the EYS protein (p.Arg1107His). This variant is present in population databases (rs758414726, gnomAD 0.007%). This variant has not been reported in the literature in individuals affected with EYS-related conditions. ClinVar contains an entry for this variant (Variation ID: 1371667). Algorithms developed to predict the effect of missense changes on protein structure and function output the following: SIFT: "Tolerated"; PolyPhen-2: "Benign"; Align-GVGD: "Class C0". The histidine amino acid residue is found in multiple mammalian species, which suggests that this missense change does not adversely affect protein function. In summary, the available evidence is currently insufficient to determine the role of this variant in disease. Therefore, it has been classified as a Variant of Uncertain Significance.

NM_001142800.2(EYS):c.3320G>A (p.Arg1107His)

Gene: EYS (eyes shut homolog; minus strand). Cytogenetic location: 6q12.
Variant type: single nucleotide variant.
Coding change: c.3320G>A on transcript NM_001142800.2 (MANE Select); coding-DNA position 3320, G replaced by A.
Protein change: p.Arg1107His; replaces arginine 1107 with histidine.
Molecular consequence: missense variant.
Genome position (GRCh38, 1-based): chr6:64,813,501, C>T on the plus strand (G>A on the coding strand, the complement: EYS is on the minus strand). VCF-style: chr6-64813501-C-T. GRCh37 (hg19) VCF-style: chr6-65523394-C-T.
Other names: c.3320G>A, p.Arg1107His (NM_001292009.2); short protein forms R1107H.
Identifiers: ClinVar variation 1371667 (VCV001371667.5), dbSNP rs758414726, ClinGen allele CA3877174.